The following is an entry in ClinVar:

NM_001277115.2(DNAH11):c.3425+1_3425+4del

Genes: DNAH11 (dynein axonemal heavy chain 11; plus strand), LOC126859961 (BRD4-independent group 4 enhancer GRCh37_chr7:21639662-21640861; plus strand). Cytogenetic location: 7p15.3.
Variant type: Deletion.
Coding change: c.3425+1_3425+4del on transcript NM_001277115.2 (MANE Select); the canonical splice donor site of the intron after coding-DNA position 3425 through 4 bases into the intron after coding-DNA position 3425, 4 bases deleted (GTAG; older notation c.3425+1_3425+4delGTAG).
Molecular consequence: splice donor variant.
Genome position (GRCh38, 1-based): chr7:21,601,180-21,601,183, GTAG deleted; deleting any 4 consecutive bases within chr7:21,601,178-21,601,183 gives the same sequence; the c. name uses the placement nearest the transcript's 3' end. VCF-style (leftmost placement, unchanged base first): chr7-21601177-CAGGT-C. GRCh37 (hg19) VCF-style: chr7-21640795-CAGGT-C.
Identifiers: ClinVar variation 2431893 (VCV002431893.1), dbSNP rs2534634118, ClinGen allele CA2580076921.
Genomic context (GRCh38, chr7:21,601,177, plus strand): 5'-AACCATAATTAAGAAATGGAGCTGGATGTTTCAGGAGCATCTTTTGAGATTTGTCATTGA[CAGGT>C]AGCCTTTTACTTTGGTTTTTGGAATTATAACTTTCTAAACTGCTTTCTAAAACTGAGATG-3'

ClinVar aggregate classification (germline): Likely pathogenic (1 of 4 stars; one submission).

Conditions:
Primary ciliary dyskinesia 7. Also called: CILIARY DYSKINESIA, PRIMARY, 7, WITH OR WITHOUT SITUS INVERSUS. Identifiers: Orphanet 244, MedGen C2678473, MONDO:0012748, OMIM 611884.

Submission:

Laboratorio de Genetica e Diagnostico Molecular, Hospital Israelita Albert Einstein
Classification: Likely pathogenic for Primary ciliary dyskinesia 7. Last evaluated: 2023-02-11. Review status: criteria provided, single submitter. Criteria: ACMG Guidelines, 2015. Collection method: clinical testing. Allele origin: germline. Affected: yes. Observed: 1 variant allele.
Comment: ACMG classification criteria: PVS1 very strong, PM2 moderated